The following is an entry in ClinVar:

ClinVar aggregate classification (germline): Conflicting classifications of pathogenicity. Review status: criteria provided, conflicting classifications (1 of 4 stars). 2 submissions from 2 submitters: Uncertain significance (1); Likely benign (1). Last evaluated 2024-12-30.

Conditions:
ADCY5-related disorder. Also called: ADCY5-related condition.

Allele frequency attached by ClinVar (database versions not stated): gnomAD 0.00001; TOPMed 0.00002; ESP Exome Variant Server 0.00008.
gnomAD v4.1: 24 of 1,613,924 alleles (0.0015%); highest among the groups gnomAD compares: Non-Finnish European, 0.0019%; no homozygotes.

Submissions (2):

PreventionGenetics, part of Exact Sciences
Classification: Likely benign for ADCY5-related condition. Last evaluated: 2024-12-30. Review status: criteria provided, single submitter. Criteria: ACMG Guidelines, 2015. Collection method: clinical testing. Allele origin: germline.
Comment: This variant is classified as likely benign based on ACMG/AMP sequence variant interpretation guidelines (Richards et al. 2015 PMID: 25741868, with internal and published modifications).

Labcorp Genetics (formerly Invitae), Labcorp
Classification: Uncertain significance. Last evaluated: 2023-10-30. Review status: criteria provided, single submitter. Criteria: Invitae Variant Classification Sherloc (09022015). Collection method: clinical testing. Allele origin: germline.
Comment: This sequence change falls in intron 10 of the ADCY5 gene. It does not directly change the encoded amino acid sequence of the ADCY5 protein. It affects a nucleotide within the consensus splice site. This variant is present in population databases (rs374019409, gnomAD 0.007%). This variant has not been reported in the literature in individuals affected with ADCY5-related conditions. Variants that disrupt the consensus splice site are a relatively common cause of aberrant splicing (PMID: 17576681, 9536098). Algorithms developed to predict the effect of sequence changes on RNA splicing suggest that this variant is not likely to affect RNA splicing. In summary, the available evidence is currently insufficient to determine the role of this variant in disease. Therefore, it has been classified as a Variant of Uncertain Significance.

Literature cited by the submitters: PubMed 17576681 (cited by Labcorp Genetics (formerly Invitae), Labcorp); PubMed 9536098 (cited by Labcorp Genetics (formerly Invitae), Labcorp).

NM_183357.3(ADCY5):c.2256+4C>T

Gene: ADCY5 (adenylate cyclase 5; minus strand). Cytogenetic location: 3q21.1.
Variant type: single nucleotide variant.
Coding change: c.2256+4C>T on transcript NM_183357.3 (MANE Select); 4 bases into the intron after coding-DNA position 2256, C replaced by T.
Molecular consequence: intron variant.
Genome position (GRCh38, 1-based): chr3:123,319,670, G>A on the plus strand (C>T on the coding strand, the complement: ADCY5 is on the minus strand). VCF-style: chr3-123319670-G-A. GRCh37 (hg19) VCF-style: chr3-123038517-G-A.
Other names: c.2256+4C>T (NM_183357.2, NM_001378259.1); c.1206+4C>T (NM_001199642.1).
Identifiers: ClinVar variation 2696837 (VCV002696837.4), dbSNP rs374019409, ClinGen allele CA82896077.